The following is an entry in ClinVar:

NM_022773.4(LMF1):c.1507T>G (p.Phe503Val)

Gene: LMF1 (lipase maturation factor 1; minus strand). Cytogenetic location: 16p13.3.
Variant type: single nucleotide variant.
Coding change: c.1507T>G on transcript NM_022773.4 (MANE Select); coding-DNA position 1507, T replaced by G.
Protein change: p.Phe503Val; replaces phenylalanine 503 with valine.
Molecular consequence: missense variant. On other transcripts: non-coding transcript variant (1).
Genome position (GRCh38, 1-based): chr16:868,966, A>C on the plus strand (T>G on the coding strand, the complement: LMF1 is on the minus strand). VCF-style: chr16-868966-A-C. GRCh37 (hg19) VCF-style: chr16-918966-A-C.
Other names: c.856T>G, p.Phe286Val (NM_001352017.2, NM_001352021.2); c.1108T>G, p.Phe370Val (NM_001352018.2); c.1180T>G, p.Phe394Val (NM_001352019.2); c.1427T>G, p.Leu476Arg (NM_001352020.1); short protein forms F503V, F370V, F394V, L476R, F286V.
Identifiers: ClinVar variation 4098518 (VCV004098518.1).

ClinVar aggregate classification (germline): Uncertain significance (1 of 4 stars; one submission).

Conditions:
Cardiovascular phenotype. Identifiers: MedGen CN230736.

Submission:

Ambry Genetics
Classification: Uncertain significance for Cardiovascular phenotype. Last evaluated: 2025-06-20. Review status: criteria provided, single submitter. Criteria: Ambry Variant Classification Scheme 2023. Collection method: clinical testing. Allele origin: germline.
Comment: The p.F503V variant (also known as c.1507T>G), located in coding exon 10 of the LMF1 gene, results from a T to G substitution at nucleotide position 1507. The phenylalanine at codon 503 is replaced by valine, an amino acid with highly similar properties. This amino acid position is conserved. In addition, this alteration is predicted to be tolerated by in silico analysis. Based on the available evidence, the clinical significance of this variant remains unclear.